The following is an entry in ClinVar:

NM_018127.7(ELAC2):c.597T>A (p.Ser199Arg)

Gene: ELAC2 (elaC ribonuclease Z 2; minus strand). Cytogenetic location: 17p12.
Variant type: single nucleotide variant.
Coding change: c.597T>A on transcript NM_018127.7 (MANE Select); coding-DNA position 597, T replaced by A.
Protein change: p.Ser199Arg; replaces serine 199 with arginine.
Molecular consequence: missense variant. On other transcripts: intron variant (1).
Genome position (GRCh38, 1-based): chr17:13,011,745, A>T on the plus strand (T>A on the coding strand, the complement: ELAC2 is on the minus strand). VCF-style: chr17-13011745-A-T. GRCh37 (hg19) VCF-style: chr17-12915062-A-T.
Other names: c.597T>A, p.Ser199Arg (NM_173717.2); c.560-1074T>A (NM_001165962.2); short protein forms S199R.
Identifiers: ClinVar variation 2733635 (VCV002733635.3), dbSNP rs2508356402, ClinGen allele CA398217537.

ClinVar aggregate classification (germline): Uncertain significance (1 of 4 stars; one submission).

Conditions:
Combined oxidative phosphorylation defect type 17. Also called: Combined oxidative phosphorylation deficiency 17. Identifiers: Orphanet 369913, MedGen C3809526, MONDO:0014190, OMIM 615440.

Submission:

Labcorp Genetics (formerly Invitae), Labcorp
Classification: Uncertain significance for Combined oxidative phosphorylation defect type 17. Last evaluated: 2023-09-10. Review status: criteria provided, single submitter. Criteria: Invitae Variant Classification Sherloc (09022015). Collection method: clinical testing. Allele origin: germline.
Comment: Advanced modeling of protein sequence and biophysical properties (such as structural, functional, and spatial information, amino acid conservation, physicochemical variation, residue mobility, and thermodynamic stability) performed at Invitae indicates that this missense variant is not expected to disrupt ELAC2 protein function. In summary, the available evidence is currently insufficient to determine the role of this variant in disease. Therefore, it has been classified as a Variant of Uncertain Significance. This variant has not been reported in the literature in individuals affected with ELAC2-related conditions. This variant is not present in population databases (gnomAD no frequency). This sequence change replaces serine, which is neutral and polar, with arginine, which is basic and polar, at codon 199 of the ELAC2 protein (p.Ser199Arg).